The following is an entry in ClinVar:

NM_024876.4(COQ8B):c.501C>A (p.Phe167Leu)

Gene: COQ8B (coenzyme Q8B; minus strand). Cytogenetic location: 19q13.2.
Variant type: single nucleotide variant.
Coding change: c.501C>A on transcript NM_024876.4 (MANE Select); coding-DNA position 501, C replaced by A.
Protein change: p.Phe167Leu; replaces phenylalanine 167 with leucine.
Molecular consequence: missense variant.
Genome position (GRCh38, 1-based): chr19:40,705,171, G>T on the plus strand (C>A on the coding strand, the complement: COQ8B is on the minus strand). VCF-style: chr19-40705171-G-T. GRCh37 (hg19) VCF-style: chr19-41211076-G-T.
Other names: p.Phe167Leu; c.378C>A, p.Phe126Leu (NM_001142555.3); short protein forms F167L, F126L.
Identifiers: ClinVar variation 516934 (VCV000516934.13), dbSNP rs55793080, ClinGen allele CA9450383.

ClinVar aggregate classification (germline): Benign. Review status: criteria provided, multiple submitters, no conflicts (2 of 4 stars). 4 submissions from 4 submitters: Benign (4). Last evaluated 2026-02-03.

Allele frequency attached by ClinVar (database versions not stated): ESP Exome Variant Server 0.00062; gnomAD exomes 0.00145 and 0.00561; gnomAD 0.00267 and 0.00291; ExAC 0.00427; TOPMed 0.00496; 1000 Genomes Project 0.00679; 1000 Genomes Project 30x 0.00687.
gnomAD v4.1: 2,625 of 1,613,442 alleles (0.16%); highest among the groups gnomAD compares: Admixed American, 2.6%; 30 homozygotes.

Submissions (4):

Labcorp Genetics (formerly Invitae), Labcorp
Classification: Benign. Last evaluated: 2026-02-03. Review status: criteria provided, single submitter. Criteria: Invitae Variant Classification Sherloc (09022015). Collection method: clinical testing. Allele origin: germline.

Mayo Clinic Laboratories, Mayo Clinic
Classification: Benign. Last evaluated: 2023-07-18. Review status: criteria provided, single submitter. Criteria: ACMG Guidelines, 2015. Collection method: clinical testing. Allele origin: germline. Observed: 14 variant alleles.
Comment: BA1, BS2, BP4_strong

GeneDx
Classification: Benign. Last evaluated: 2017-02-02. Review status: criteria provided, single submitter. Criteria: GeneDx Variant Classification (06012015). Collection method: clinical testing. Allele origin: germline. Affected: yes.
Comment: This variant is considered likely benign or benign based on one or more of the following criteria: it is a conservative change, it occurs at a poorly conserved position in the protein, it is predicted to be benign by multiple in silico algorithms, and/or has population frequency not consistent with disease.

Breakthrough Genomics
Classification: Benign. Review status: criteria provided, single submitter. Criteria: ACMG Guidelines, 2015. Collection method: not provided. Allele origin: germline. Inheritance: Autosomal recessive inheritance. Affected: yes.